The following is an entry in ClinVar:

NM_000359.3(TGM1):c.1298+1G>C

Gene: TGM1 (transglutaminase 1; minus strand). Cytogenetic location: 14q12.
Variant type: single nucleotide variant.
Coding change: c.1298+1G>C on transcript NM_000359.3 (MANE Select); the canonical splice donor site of the intron after coding-DNA position 1298, G replaced by C.
Molecular consequence: splice donor variant.
Genome position (GRCh38, 1-based): chr14:24,258,534, C>G on the plus strand (G>C on the coding strand, the complement: TGM1 is on the minus strand). VCF-style: chr14-24258534-C-G. GRCh37 (hg19) VCF-style: chr14-24727740-C-G.
Identifiers: ClinVar variation 3654155 (VCV003654155.2).
Genomic context (GRCh38, chr14:24,258,534, plus strand): 5'-TCCACCTCCAAAGCTCAGGTCACCATTCTTCAGCACAGATGGGCAGTCCACCCCAGCTCA[C>G]CAGACAGAATCATGGTTCAGGTGCTCCAGGGGCTTCATGTTCTCGTCGAAGTAGATGTCC-3'

ClinVar aggregate classification (germline): Pathogenic (1 of 4 stars; one submission).

Submission:

Labcorp Genetics (formerly Invitae), Labcorp
Classification: Pathogenic. Last evaluated: 2024-07-03. Review status: criteria provided, single submitter. Criteria: Invitae Variant Classification Sherloc (09022015). Collection method: clinical testing. Allele origin: germline.
Comment: This sequence change affects a donor splice site in intron 8 of the TGM1 gene. It is expected to disrupt RNA splicing. Variants that disrupt the donor or acceptor splice site typically lead to a loss of protein function (PMID: 16199547), and loss-of-function variants in TGM1 are known to be pathogenic (PMID: 18948357, 19241467). This variant is not present in population databases (gnomAD no frequency). Disruption of this splice site has been observed in individual(s) with lamellar ichthyosis (PMID: 30578701). Algorithms developed to predict the effect of sequence changes on RNA splicing suggest that this variant may disrupt the consensus splice site. For these reasons, this variant has been classified as Pathogenic.

Literature cited by the submitters: PubMed 16199547; PubMed 18948357; PubMed 19241467; PubMed 30578701.